The following is an entry in ClinVar:

NM_007294.4(BRCA1):c.2489_2492del (p.Lys830fs)

Gene: BRCA1 (BRCA1 DNA repair associated; minus strand). Cytogenetic location: 17q21.31.
Variant type: Deletion.
Coding change: c.2489_2492del on transcript NM_007294.4 (MANE Select); coding-DNA positions 2489 to 2492, 4 bases deleted (AGTA; older notation c.2489_2492delAGTA).
Protein change: p.Lys830fs; shifts the reading frame from lysine 830.
Molecular consequence: frameshift variant. On other transcripts: intron variant (137).
Genome position (GRCh38, 1-based): chr17:43,093,039-43,093,042, TACT deleted on the plus strand (AGTA on the coding strand, the reverse complement: BRCA1 is on the minus strand); deleting any 4 consecutive bases within chr17:43,093,039-43,093,044 gives the same sequence; the c. name uses the placement nearest the transcript's 3' end. VCF-style (leftmost placement, unchanged base first): chr17-43093038-ATACT-A. GRCh37 (hg19) VCF-style: chr17-41245055-ATACT-A.
Other names: 2608delAGTA; c.2489_2492delAGTA (NM_007294.3); c.2348_2351del, p.Lys783fs (NM_001407852.1, NM_001407942.1, NM_001407944.1 and 29 more transcripts); c.2276_2279del, p.Lys759fs (NM_001407853.1, NM_001407894.1, NM_001407895.1 and 9 more transcripts); c.2489_2492del, p.Lys830fs (NM_001407854.1, NM_001407858.1, NM_001407859.1 and 30 more transcripts); c.2486_2489del, p.Lys829fs (NM_001407860.1, NM_001407861.1, NM_001407587.1 and 22 more transcripts); c.2288_2291del, p.Lys763fs (NM_001407862.1); c.2366_2369del, p.Lys789fs (NM_001407863.1, NM_001407919.1, NM_001407937.1 and 19 more transcripts); and 43 more; short protein forms K830fs, K783fs, K703fs, K741fs, K763fs, K782fs, K803fs, K702fs.
Identifiers: ClinVar variation 266269 (VCV000266269.13), dbSNP rs886040043, ClinGen allele CA10589846.

ClinVar aggregate classification (germline): Pathogenic. Review status: reviewed by expert panel (3 of 4 stars). 6 submissions from 6 submitters: Pathogenic (1). 5 of the submissions do not count toward it. Last evaluated 2016-10-18.

Conditions:
Breast-ovarian cancer, familial, susceptibility to, 1 (BROVCA1). Also called: BRCA1 Hereditary Breast and Ovarian Cancer; OVARIAN CANCER, SUSCEPTIBILITY TO. Identifiers: Orphanet 145, MedGen C2676676, MONDO:0011450, OMIM 604370. Disease mechanism: loss of function.
Hereditary cancer-predisposing syndrome. Also called: Hereditary Cancer Syndrome; Neoplastic Syndromes, Hereditary; Hereditary neoplastic syndrome; Tumor predisposition. Identifiers: Orphanet 140162, MedGen C0027672, MeSH D009386, MONDO:0015356.
Malignant tumor of breast. Also called: Malignant breast neoplasm; Cancer breast. Identifiers: MedGen C0006142, MONDO:0007254. Disease mechanism: loss of function.

Submissions (6):

Evidence-based Network for the Interpretation of Germline Mutant Alleles (ENIGMA)
Classification: Pathogenic for Breast-ovarian cancer, familial, susceptibility to, 1. Last evaluated: 2016-10-18. Review status: reviewed by expert panel. Criteria: ENIGMA BRCA1/2 Classification Criteria (2015). Collection method: curation. Allele origin: germline.
Comment: Variant allele predicted to encode a truncated non-functional protein.

Quest Diagnostics Nichols Institute San Juan Capistrano
Classification: Pathogenic. Last evaluated: 2023-12-22. Review status: criteria provided, single submitter. Criteria: Quest Diagnostics criteria. Collection method: clinical testing. Allele origin: unknown. Not counted in ClinVar's aggregate classification.
Comment: The BRCA1 c.2489_2492del (p.Lys830Ilefs*15) variant alters the translational reading frame of the BRCA1 mRNA and causes the premature termination of BRCA1 protein synthesis. This variant has been reported in the published literature in an individual with early-onset triple negative breast cancer (PMID: 32868316 (2020)), as well as individuals and families with a high-risk for hereditary breast and/or ovarian cancer (HBOC) syndrome (PMID: 29446198 (2018)). This variant has not been reported in large, multi-ethnic general populations (Genome Aggregation Database). Based on the available information, this variant is classified as pathogenic.

Ambry Genetics
Classification: Pathogenic for Hereditary cancer-predisposing syndrome. Last evaluated: 2023-10-10. Review status: criteria provided, single submitter. Criteria: Ambry Variant Classification Scheme 2023. Collection method: clinical testing. Allele origin: germline. Not counted in ClinVar's aggregate classification.
Comment: The c.2489_2492delAGTA pathogenic mutation, located in coding exon 9 of the BRCA1 gene, results from a deletion of 4 nucleotides at nucleotide positions 2489 to 2492, causing a translational frameshift with a predicted alternate stop codon (p.K830Ifs*15). This alteration was identified in a large, worldwide study of BRCA1/2 mutation positive families (Rebbeck TR et al. Hum. Mutat. 2018 05;39:593-620). In addition to the clinical data presented in the literature, this alteration is expected to result in loss of function by premature protein truncation or nonsense-mediated mRNA decay. As such, this alteration is interpreted as a disease-causing mutation.

Color Diagnostics, LLC DBA Color Health
Classification: Pathogenic for Hereditary cancer-predisposing syndrome. Last evaluated: 2020-01-15. Review status: criteria provided, single submitter. Criteria: ACMG Guidelines, 2015. Collection method: clinical testing. Allele origin: germline. Not counted in ClinVar's aggregate classification.
Comment: This variant deletes 4 nucleotides in exon 10 of the BRCA1 gene, creating a frameshift and premature translation stop signal. This variant is expected to result in an absent or non-functional protein product. This variant has not been identified in the general population by the Genome Aggregation Database (gnomAD). Loss of BRCA1 function is a known mechanism of disease. Based on the available evidence, this variant is classified as Pathogenic.

Consortium of Investigators of Modifiers of BRCA1/2 (CIMBA), c/o University of Cambridge
Classification: Pathogenic for Breast-ovarian cancer, familial, susceptibility to, 1. Last evaluated: 2015-10-02. Review status: criteria provided, single submitter. Criteria: CIMBA Mutation Classification guidelines May 2016. Collection method: clinical testing. Allele origin: germline. Not counted in ClinVar's aggregate classification.

Department of Pathology and Laboratory Medicine, Sinai Health System
Classification: Pathogenic for Malignant tumor of breast. Review status: no assertion criteria provided. Collection method: clinical testing. Allele origin: unknown. Affected: yes. Observed: 1 variant allele. Study: The Canadian Open Genetics Repository (COGR). Not counted in ClinVar's aggregate classification.
Comment: The BRCA1 p.Lys830IlefsX15 variant was not identified in the literature nor was it identified in the dbSNP, Clinvitae database, LOVD-IARC database, ARUP Laboratories BRCA Mutations Database, COSMIC, the ClinVar database, GeneInsight-COGR database, the BIC database, UMD, Fanconi Anemia Mutation Database (LOVD) database, NHLBI GO Exome Sequencing Project and the Exome Aggregation Consortium database (August 8, 2016). The c.2489_2492del variant is predicted to cause a frameshift, which alters the protein's amino acid sequence beginning at codon 830 and leads to a premature stop codon 15 codons downstream. This alteration is then predicted to result in a truncated or absent protein and loss of function. Loss of function variants of the BRCA1 gene are an established mechanism of disease in hereditary breast and ovarian cancer and is the type of variant expected to cause the disorder. In summary, based on the above information, this variant meets our laboratoryâ€šÃ„Ã´s criteria to be classified as pathogenic.

Literature cited by the submitters: PubMed 29446198 (cited by Quest Diagnostics Nichols Institute San Juan Capistrano and Ambry Genetics); PubMed 32868316 (cited by Quest Diagnostics Nichols Institute San Juan Capistrano).